The following is an entry in ClinVar:

ClinVar aggregate classification (germline): Uncertain significance (1 of 4 stars; one submission).

Conditions:
Hereditary breast ovarian cancer syndrome. Also called: Hereditary breast and/or ovarian cancer syndrome; Hereditary breast and ovarian cancer syndrome (HBOC); Breast and ovarian cancer; Hereditary breast and ovarian cancer syndrome; Hereditary breast and ovarian cancer; BRCA1- and BRCA2-Associated Hereditary Breast and Ovarian Cancer. Identifiers: Orphanet 145, MedGen C0677776, MeSH D061325, MONDO:0003582. Disease mechanism: loss of function.

Submission:

Labcorp Genetics (formerly Invitae), Labcorp
Classification: Uncertain significance for Hereditary breast ovarian cancer syndrome. Last evaluated: 2023-12-25. Review status: criteria provided, single submitter. Criteria: Invitae Variant Classification Sherloc (09022015). Collection method: clinical testing. Allele origin: germline.
Comment: This variant occurs in a non-coding region of the BRCA1 gene. It does not change the encoded amino acid sequence of the BRCA1 protein. This variant is not present in population databases (gnomAD no frequency). This variant has not been reported in the literature in individuals affected with BRCA1-related conditions. Algorithms developed to predict the effect of sequence changes on RNA splicing suggest that this variant is not likely to affect RNA splicing. In summary, the available evidence is currently insufficient to determine the role of this variant in disease. Therefore, it has been classified as a Variant of Uncertain Significance.

NM_007294.4(BRCA1):c.-19-4A>G

Gene: BRCA1 (BRCA1 DNA repair associated; minus strand). Cytogenetic location: 17q21.31.
Variant type: single nucleotide variant.
Coding change: c.-19-4A>G on transcript NM_007294.4 (MANE Select); 4 bases into the intron before 19 bases upstream of the start codon, A replaced by G.
Molecular consequence: intron variant. On other transcripts: 5 prime UTR variant (10).
Genome position (GRCh38, 1-based): chr17:43,124,119, T>C on the plus strand (A>G on the coding strand, the complement: BRCA1 is on the minus strand). VCF-style: chr17-43124119-T-C. GRCh37 (hg19) VCF-style: chr17-41276136-T-C.
Other names: c.-326-4A>G (NM_001407954.1, NM_001407917.1, NM_001408513.1); c.-279-4A>G (NM_001408504.1, NM_001408463.1, NM_001407847.1 and 22 more transcripts); c.-19-4A>G (NM_001408422.1, NM_001407874.1, NM_001408416.1 and 159 more transcripts); c.-276-4A>G (NM_001407727.1, NM_001407724.1, NM_001408468.1 and 11 more transcripts); c.-109+1063A>G (NM_001407896.1); c.-225+1063A>G (NM_001407900.1); c.-194-17A>G (NM_001407952.1, NM_001407886.1, NM_001407899.1 and 1 more transcripts); c.-156-4A>G (NM_001407841.1); and 28 more.
Identifiers: ClinVar variation 2705453 (VCV002705453.3), dbSNP rs2154578335, ClinGen allele CA2697559927.